The following is an entry in ClinVar:

NM_000053.4(ATP7B):c.1092C>G (p.Ala364=)

Gene: ATP7B (ATPase copper transporting beta; minus strand). Cytogenetic location: 13q14.3.
Variant type: single nucleotide variant.
Coding change: c.1092C>G on transcript NM_000053.4 (MANE Select); coding-DNA position 1092, C replaced by G.
Protein change: p.Ala364=; no amino-acid change (alanine 364 retained).
Molecular consequence: synonymous variant. On other transcripts: intron variant (1).
Genome position (GRCh38, 1-based): chr13:51,974,128, G>C on the plus strand (C>G on the coding strand, the complement: ATP7B is on the minus strand). VCF-style: chr13-51974128-G-C. GRCh37 (hg19) VCF-style: chr13-52548264-G-C.
Other names: c.1092C>G, p.Ala364= (NM_001005918.3, NM_001330578.2, NM_001330579.2); c.803-44C>G (NM_001243182.2).
Identifiers: ClinVar variation 991750 (VCV000991750.5), dbSNP rs1482077950, ClinGen allele CA484024713.

ClinVar aggregate classification (germline): Likely benign. Review status: criteria provided, multiple submitters, no conflicts (2 of 4 stars). 3 submissions from 3 submitters: Likely benign (2). 1 of the submissions does not count toward it. Last evaluated 2023-08-15.

Conditions:
Wilson disease (WND). Also called: Wilson's disease. Identifiers: Orphanet 905, MedGen C0019202, MONDO:0010200, OMIM 277900. Disease mechanism: loss of function.

Allele frequency attached by ClinVar (database versions not stated): TOPMed below 0.00001.

Submissions (3):

All of Us Research Program, National Institutes of Health
Classification: Likely benign for Wilson disease. Last evaluated: 2023-08-15. Review status: criteria provided, single submitter. Criteria: ACMG Guidelines, 2015. Collection method: clinical testing. Allele origin: germline. Inheritance: Autosomal recessive inheritance. Observed: 1 variant allele, 1 heterozygote.
Comment: This study involves interpretation of variants in research participants for the purpose of population health screening. Participant phenotype was not available at the time of variant classification. Additional details can be found in publication PMID: 35346344, PMCID: PMC8962531

Labcorp Genetics (formerly Invitae), Labcorp
Classification: Likely benign for Wilson disease. Last evaluated: 2023-07-06. Review status: criteria provided, single submitter. Criteria: Invitae Variant Classification Sherloc (09022015). Collection method: clinical testing. Allele origin: germline.

Natera, Inc.
Classification: Uncertain significance for Wilson disease. Last evaluated: 2020-04-15. Review status: no assertion criteria provided. Collection method: clinical testing. Allele origin: germline. Not counted in ClinVar's aggregate classification.